The following is an entry in ClinVar:

NM_004473.4(FOXE1):c.20CGC[5] (p.Pro10_Gln11insPro)

Gene: FOXE1 (forkhead box E1; plus strand). Cytogenetic location: 9q22.33.
Variant type: Microsatellite.
Coding change: c.20CGC[5] on transcript NM_004473.4 (MANE Select); five copies in a row of the 3-base unit CGC starting at c.20; the reference has four copies in a row; one copy, 3 bases duplicated; also written c.29_31dup.
Protein change: p.Pro10_Gln11insPro.
Molecular consequence: inframe insertion.
Genome position (GRCh38, 1-based): chr9:97,853,943-97,853,945, CGC duplicated; duplicating any 3 consecutive bases within chr9:97,853,932-97,853,945 gives the same sequence; the position shown is the placement nearest the transcript's 3' end. VCF-style (leftmost placement, unchanged base first): chr9-97853931-G-GGCC. GRCh37 (hg19) VCF-style: chr9-100616213-G-GGCC.
Other names: c.29_31dup (NM_004473.4).
Identifiers: ClinVar variation 4884011 (VCV004884011.2).

ClinVar aggregate classification (germline): Uncertain significance (1 of 4 stars; one submission).

Conditions:
Bamforth-Lazarus syndrome. Identifiers: Orphanet 1226, MedGen C1855794, MONDO:0009437, OMIM 241850.

Submission:

Dasa
Classification: Uncertain significance for Bamforth-Lazarus syndrome. Last evaluated: 2026-01-26. Review status: criteria provided, single submitter. Criteria: DASA Assertion Criteria. Collection method: clinical testing. Allele origin: germline.
Comment: NM_004473.4(FOXE1):c.29_31dup (p.Pro10dup) is an in-frame duplication predicted to duplicate proline at protein position 10 without shifting the reading frame. This variant is rare in population databases. The currently available literature and clinical evidence are not sufficient to establish a definitive association between this variant and the reported condition. Therefore, this variant is classified as a variant of uncertain significance.